The following is an entry in ClinVar:

ClinVar aggregate classification (germline): Conflicting classifications of pathogenicity. Review status: criteria provided, conflicting classifications (1 of 4 stars). 8 submissions from 7 submitters: Uncertain significance (2); Likely benign (4). 2 of the submissions do not count toward it. Last evaluated 2026-07-01.

Conditions:
LAMB2-related infantile-onset nephrotic syndrome. Also called: NEPHROTIC SYNDROME, TYPE 5, WITHOUT OCULAR ABNORMALITIES; NEPHROTIC SYNDROME, TYPE 5, WITH OCULAR ABNORMALITIES; Nephrotic Syndrome, type 5. Identifiers: Orphanet 306507, MedGen C3280113, MONDO:0013621, OMIM 614199.
Pierson syndrome. Also called: MICROCORIA-CONGENITAL NEPHROTIC SYNDROME. Identifiers: Orphanet 2670, MedGen C1836876, MONDO:0012184, OMIM 609049.
Atypical hemolytic-uremic syndrome. Identifiers: Orphanet 2134, MedGen C2931788, MONDO:0016244.

Allele frequency attached by ClinVar (database versions not stated): ESP Exome Variant Server 0.00015; ExAC 0.00033; gnomAD exomes 0.00051 and 0.00075; TOPMed 0.00052; gnomAD 0.00056 and 0.00061.
gnomAD v4.1: 1,164 of 1,613,824 alleles (0.072%); highest among the groups gnomAD compares: Non-Finnish European, 0.09%; 2 homozygotes.

Submissions (8):

CeGaT Center for Human Genetics Tuebingen
Classification: Likely benign. Last evaluated: 2026-07-01. Review status: criteria provided, single submitter. Criteria: CeGaT Center For Human Genetics Tuebingen Variant Classification Criteria Version 2. Collection method: clinical testing. Allele origin: germline. Affected: yes. Observed: 1 variant allele.
Comment: LAMB2: BP4, BP7

Labcorp Genetics (formerly Invitae), Labcorp
Classification: Likely benign for LAMB2-related infantile-onset nephrotic syndrome; Pierson syndrome. Last evaluated: 2025-11-23. Review status: criteria provided, single submitter. Criteria: Invitae Variant Classification Sherloc (09022015). Collection method: clinical testing. Allele origin: germline.

Blueprint Genetics
Classification: Likely benign. Last evaluated: 2024-09-24. Review status: criteria provided, single submitter. Criteria: ACMG Guidelines, 2015. Collection method: clinical testing. Allele origin: germline.

Genome Diagnostics Laboratory, The Hospital for Sick Children
Classification: Likely benign for Atypical hemolytic-uremic syndrome. Last evaluated: 2018-06-01. Review status: criteria provided, single submitter. Criteria: ACMG Guidelines, 2015. Collection method: clinical testing. Allele origin: germline.

Illumina Laboratory Services, Illumina
Classification: Uncertain significance for Pierson syndrome. Last evaluated: 2018-01-12. Review status: criteria provided, single submitter. Criteria: ICSL Variant Classification Criteria 13 December 2019. Collection method: clinical testing. Allele origin: germline.

Illumina Laboratory Services, Illumina
Classification: Uncertain significance for LAMB2-related infantile-onset nephrotic syndrome. Last evaluated: 2018-01-12. Review status: criteria provided, single submitter. Criteria: ICSL Variant Classification Criteria 13 December 2019. Collection method: clinical testing. Allele origin: germline.

Clinical Genetics DNA and cytogenetics Diagnostics Lab, Erasmus MC, Erasmus Medical Center
Classification: Likely benign. Review status: no assertion criteria provided. Collection method: clinical testing. Allele origin: germline. Affected: yes. Study: VKGL Data-share Consensus. Not counted in ClinVar's aggregate classification.

Genome Diagnostics Laboratory, University Medical Center Utrecht
Classification: Likely benign. Review status: no assertion criteria provided. Collection method: clinical testing. Allele origin: germline. Affected: yes. Study: VKGL Data-share Consensus. Not counted in ClinVar's aggregate classification.

NM_002292.4(LAMB2):c.816T>C (p.Tyr272=)

Gene: LAMB2 (laminin subunit beta 2; minus strand). Cytogenetic location: 3p21.31.
Variant type: single nucleotide variant.
Coding change: c.816T>C on transcript NM_002292.4 (MANE Select); coding-DNA position 816, T replaced by C.
Protein change: p.Tyr272=; no amino-acid change (tyrosine 272 retained).
Molecular consequence: synonymous variant.
Genome position (GRCh38, 1-based): chr3:49,131,049, A>G on the plus strand (T>C on the coding strand, the complement: LAMB2 is on the minus strand). VCF-style: chr3-49131049-A-G. GRCh37 (hg19) VCF-style: chr3-49168482-A-G.
Identifiers: ClinVar variation 346008 (VCV000346008.20), dbSNP rs151251039, ClinGen allele CA2394793.